The following is an entry in ClinVar:

NM_000268.4(NF2):c.1570G>C (p.Glu524Gln)

Gene: NF2 (NF2, moesin-ezrin-radixin like (MERLIN) tumor suppressor; plus strand). Cytogenetic location: 22q12.2.
Variant type: single nucleotide variant.
Coding change: c.1570G>C on transcript NM_000268.4 (MANE Select); coding-DNA position 1570, G replaced by C.
Protein change: p.Glu524Gln; replaces glutamic acid 524 with glutamine.
Molecular consequence: missense variant. On other transcripts: non-coding transcript variant (1), intron variant (1).
Genome position (GRCh38, 1-based): chr22:29,678,319, G>C. VCF-style: chr22-29678319-G-C. GRCh37 (hg19) VCF-style: chr22-30074308-G-C.
Other names: c.1570G>C, p.Glu524Gln (NM_016418.5, NM_181825.3, NM_181832.3); c.1444G>C, p.Glu482Gln (NM_181828.3); c.1447G>C, p.Glu483Gln (NM_181829.3); c.1321G>C, p.Glu441Gln (NM_181830.3, NM_181831.3); c.448-16433G>C (NM_181833.3); short protein forms E524Q, E482Q, E441Q, E483Q.
Identifiers: ClinVar variation 1406075 (VCV001406075.8), dbSNP rs2147108990, ClinGen allele CA411149812.

ClinVar aggregate classification (germline): Uncertain significance (1 of 4 stars; one submission).

Conditions:
Neurofibromatosis, type 2 (SWNV). Also called: BILATERAL ACOUSTIC NEUROFIBROMATOSIS; NF2-Related Schwannomatosis; SCHWANNOMATOSIS, VESTIBULAR. Identifiers: Orphanet 637, MedGen C0027832, MONDO:0007039, OMIM 101000. Disease mechanism: loss of function.

Submission:

Labcorp Genetics (formerly Invitae), Labcorp
Classification: Uncertain significance for Neurofibromatosis, type 2. Last evaluated: 2021-07-13. Review status: criteria provided, single submitter. Criteria: Invitae Variant Classification Sherloc (09022015). Collection method: clinical testing. Allele origin: germline.
Comment: This variant is not present in population databases (ExAC no frequency). This sequence change replaces glutamic acid with glutamine at codon 524 of the NF2 protein (p.Glu524Gln). The glutamic acid residue is moderately conserved and there is a small physicochemical difference between glutamic acid and glutamine. In summary, the available evidence is currently insufficient to determine the role of this variant in disease. Therefore, it has been classified as a Variant of Uncertain Significance. Algorithms developed to predict the effect of missense changes on protein structure and function are either unavailable or do not agree on the potential impact of this missense change (SIFT: "Tolerated"; PolyPhen-2: "Probably Damaging"; Align-GVGD: "Class C0"). This variant has not been reported in the literature in individuals affected with NF2-related conditions.